The following is an entry in ClinVar:

NM_000553.6(WRN):c.334T>G (p.Phe112Val)

Gene: WRN (WRN RecQ like helicase; plus strand). Cytogenetic location: 8p12.
Variant type: single nucleotide variant.
Coding change: c.334T>G on transcript NM_000553.6 (MANE Select); coding-DNA position 334, T replaced by G.
Protein change: p.Phe112Val; replaces phenylalanine 112 with valine.
Molecular consequence: missense variant.
Genome position (GRCh38, 1-based): chr8:31,064,413, T>G. VCF-style: chr8-31064413-T-G. GRCh37 (hg19) VCF-style: chr8-30921929-T-G.
Other names: short protein forms F112V.
Identifiers: ClinVar variation 1719157 (VCV001719157.5), dbSNP rs1812615367, ClinGen allele CA370914418.

ClinVar aggregate classification (germline): Uncertain significance (1 of 4 stars; one submission).

Conditions:
Werner syndrome (WRN). Identifiers: Orphanet 902, MedGen C0043119, MONDO:0010196, OMIM 277700.

Submission:

Labcorp Genetics (formerly Invitae), Labcorp
Classification: Uncertain significance for Werner syndrome. Last evaluated: 2025-07-17. Review status: criteria provided, single submitter. Criteria: Invitae Variant Classification Sherloc (09022015). Collection method: clinical testing. Allele origin: germline.
Comment: This sequence change replaces phenylalanine, which is neutral and non-polar, with valine, which is neutral and non-polar, at codon 112 of the WRN protein (p.Phe112Val). This variant is not present in population databases (gnomAD no frequency). This variant has not been reported in the literature in individuals affected with WRN-related conditions. ClinVar contains an entry for this variant (Variation ID: 1719157). An algorithm developed to predict the effect of missense changes on protein structure and function (PolyPhen-2) suggests that this variant is likely to be disruptive. In summary, the available evidence is currently insufficient to determine the role of this variant in disease. Therefore, it has been classified as a Variant of Uncertain Significance.